The following is an entry in ClinVar:

ClinVar aggregate classification (germline): Uncertain significance. Review status: criteria provided, multiple submitters, no conflicts (2 of 4 stars). 2 submissions from 2 submitters: Uncertain significance (2). Last evaluated 2025-01-17.

gnomAD v4.1: 3 of 1,613,846 alleles (0.00019%); highest among the groups gnomAD compares: Non-Finnish European, 0.00025%; no homozygotes.

Submissions (2):

GeneDx
Classification: Uncertain significance. Last evaluated: 2025-01-17. Review status: criteria provided, single submitter. Criteria: GeneDx Variant Classification Process June 2021. Collection method: clinical testing. Allele origin: germline. Affected: yes.
Comment: Reported in a patient with hypertrophic cardiomyopathy; the patient also has a variant in the DSP gene (PMID: 25979592); Not observed at significant frequency in large population cohorts (gnomAD); Missense variant in a gene in which most reported pathogenic variants are truncating/loss of function; This variant is associated with the following publications: (PMID: 25979592)

Revvity Omics, Revvity
Classification: Uncertain significance. Last evaluated: 2021-03-27. Review status: criteria provided, single submitter. Criteria: ACMG Guidelines, 2015. Collection method: clinical testing. Allele origin: germline.

NM_001267550.2(TTN):c.29220C>G (p.Asn9740Lys)

Gene: TTN (titin; minus strand). Cytogenetic location: 2q31.2.
Variant type: single nucleotide variant.
Coding change: c.29220C>G on transcript NM_001267550.2 (MANE Select); coding-DNA position 29220, C replaced by G.
Protein change: p.Asn9740Lys; replaces asparagine 9740 with lysine.
Molecular consequence: missense variant. On other transcripts: intron variant (3).
Genome position (GRCh38, 1-based): chr2:178,706,654, G>C on the plus strand (C>G on the coding strand, the complement: TTN is on the minus strand). VCF-style: chr2-178706654-G-C. GRCh37 (hg19) VCF-style: chr2-179571381-G-C.
Other names: c.28269C>G, p.Asn9423Lys (NM_001256850.1); c.25488C>G, p.Asn8496Lys (NM_133378.4); c.13282+31428C>G (NM_003319.4); c.13858+31428C>G (NM_133437.4); c.13657+31428C>G (NM_133432.3); short protein forms N8496K, N9423K, N9740K.
Identifiers: ClinVar variation 2437516 (VCV002437516.4), dbSNP rs371745586, ClinGen allele CA501191.